The following is an entry in ClinVar:

NM_182961.4(SYNE1):c.13786T>A (p.Ser4596Thr)

Gene: SYNE1 (spectrin repeat containing nuclear envelope protein 1; minus strand). Cytogenetic location: 6q25.2.
Variant type: single nucleotide variant.
Coding change: c.13786T>A on transcript NM_182961.4 (MANE Select); coding-DNA position 13786, T replaced by A.
Protein change: p.Ser4596Thr; replaces serine 4596 with threonine.
Molecular consequence: missense variant.
Genome position (GRCh38, 1-based): chr6:152,330,899, A>T on the plus strand (T>A on the coding strand, the complement: SYNE1 is on the minus strand). VCF-style: chr6-152330899-A-T. GRCh37 (hg19) VCF-style: chr6-152652034-A-T.
Other names: p.Ser4525Thr; c.13573T>A, p.Ser4525Thr (NM_033071.5); short protein forms S4525T, S4596T.
Identifiers: ClinVar variation 130404 (VCV000130404.33), dbSNP rs6911096, ClinGen allele CA155361.

ClinVar aggregate classification (germline): Benign. Review status: criteria provided, multiple submitters, no conflicts (2 of 4 stars). 17 submissions from 14 submitters: Benign (12). 5 of the submissions do not count toward it. Last evaluated 2026-02-03.

Conditions:
Emery-Dreifuss muscular dystrophy 4, autosomal dominant (EDMD4). Also called: EMERY-DREIFUSS MUSCULAR DYSTROPHY 4 WITH VARIABLE FEATURES. Identifiers: Orphanet 261, MedGen C2751807, MONDO:0013071, OMIM 612998.
Autosomal recessive ataxia, Beauce type. Also called: SYNE1 Deficiency; Spinocerebellar ataxia, autosomal recessive 8; ATAXIA, RECESSIVE, OF BEAUCE; SYNE1-Related Autosomal Recessive Cerebellar Ataxia. Identifiers: Orphanet 88644, MedGen C1853116, MONDO:0012549, OMIM 610743.
Arthrogryposis multiplex congenita 3, myogenic type. Also called: ARTHROGRYPOSIS MULTIPLEX CONGENITA, MYOGENIC TYPE. Identifiers: MedGen C5193121, MONDO:0032778, OMIM 618484.

Allele frequency attached by ClinVar (database versions not stated): gnomAD exomes 0.76018 and 0.77956; ExAC 0.77597; ESP Exome Variant Server 0.79586; gnomAD 0.80321 and 0.80856; 1000 Genomes Project 0.80331; TOPMed 0.80578; 1000 Genomes Project 30x 0.80637.
gnomAD v4.1: 1,232,973 of 1,614,046 alleles (76%); highest among the groups gnomAD compares: African/African-American, 89%; 473,479 homozygotes.

Submissions (17):

Labcorp Genetics (formerly Invitae), Labcorp
Classification: Benign for Emery-Dreifuss muscular dystrophy 4, autosomal dominant; Autosomal recessive ataxia, Beauce type. Last evaluated: 2026-02-03. Review status: criteria provided, single submitter. Criteria: Invitae Variant Classification Sherloc (09022015). Collection method: clinical testing. Allele origin: germline.

Blueprint Genetics
Classification: Benign. Last evaluated: 2024-11-27. Review status: criteria provided, single submitter. Criteria: ACMG Guidelines, 2015. Collection method: clinical testing. Allele origin: germline.

Genome-Nilou Lab
Classification: Benign for Arthrogryposis multiplex congenita 3, myogenic type. Last evaluated: 2021-07-15. Review status: criteria provided, single submitter. Criteria: ACMG Guidelines, 2015. Collection method: clinical testing. Allele origin: germline. Affected: no.

Genome-Nilou Lab
Classification: Benign for Emery-Dreifuss muscular dystrophy 4, autosomal dominant. Last evaluated: 2021-07-15. Review status: criteria provided, single submitter. Criteria: ACMG Guidelines, 2015. Collection method: clinical testing. Allele origin: germline. Affected: no.

Genome-Nilou Lab
Classification: Benign for Autosomal recessive ataxia, Beauce type. Last evaluated: 2021-07-15. Review status: criteria provided, single submitter. Criteria: ACMG Guidelines, 2015. Collection method: clinical testing. Allele origin: germline. Affected: no.

Athena Diagnostics
Classification: Benign. Last evaluated: 2018-11-02. Review status: criteria provided, single submitter. Criteria: Athena Diagnostics Criteria. Collection method: clinical testing. Allele origin: germline.

Illumina Laboratory Services, Illumina
Classification: Benign for Emery-Dreifuss muscular dystrophy 4, autosomal dominant. Last evaluated: 2018-01-12. Review status: criteria provided, single submitter. Criteria: ICSL Variant Classification Criteria 13 December 2019. Collection method: clinical testing. Allele origin: germline.
Comment: This variant was observed in the ICSL laboratory as part of a predisposition screen in an ostensibly healthy population. It had not been previously curated by ICSL or reported in the Human Gene Mutation Database (HGMD: prior to June 1st, 2018), and was therefore a candidate for classification through an automated scoring system. Utilizing variant allele frequency, disease prevalence and penetrance estimates, and inheritance mode, an automated score was calculated to assess if this variant is too frequent to cause the disease. Based on the score and internal cut-off values, a variant classified as benign is not then subjected to further curation. The score for this variant resulted in a classification of benign for this disease.

Illumina Laboratory Services, Illumina
Classification: Benign for Autosomal recessive ataxia, Beauce type. Last evaluated: 2018-01-12. Review status: criteria provided, single submitter. Criteria: ICSL Variant Classification Criteria 13 December 2019. Collection method: clinical testing. Allele origin: germline.
Comment: the same text as in the submission from Illumina Laboratory Services, Illumina above.

Mayo Clinic Laboratories, Mayo Clinic
Classification: Benign. Last evaluated: 2017-07-24. Review status: criteria provided, single submitter. Criteria: ACMG Guidelines, 2015. Collection method: clinical testing. Allele origin: germline. Observed: 1,088 variant alleles.

Eurofins Ntd Llc (ga)
Classification: Benign. Last evaluated: 2017-02-27. Review status: criteria provided, single submitter. Criteria: EGL Classification Definitions 2015. Collection method: clinical testing. Allele origin: germline. Observed: 1 variant allele, 1 homozygote.

GeneDx
Classification: Benign. Last evaluated: 2015-03-03. Review status: criteria provided, single submitter. Criteria: GeneDx Variant Classification Process June 2021. Collection method: clinical testing. Allele origin: germline. Affected: yes.

PreventionGenetics, part of Exact Sciences
Classification: Benign. Review status: criteria provided, single submitter. Criteria: ACMG Guidelines, 2015. Collection method: clinical testing. Allele origin: germline.

Clinical Genetics DNA and cytogenetics Diagnostics Lab, Erasmus MC, Erasmus Medical Center
Classification: Benign. Review status: no assertion criteria provided. Collection method: clinical testing. Allele origin: germline. Affected: yes. Study: VKGL Data-share Consensus. Not counted in ClinVar's aggregate classification.

Clinical Genetics, Academic Medical Center
Classification: Benign. Review status: no assertion criteria provided. Collection method: clinical testing. Allele origin: germline. Affected: yes. Study: VKGL Data-share Consensus. Not counted in ClinVar's aggregate classification.

Genetic Services Laboratory, University of Chicago
Classification: Likely benign for AllHighlyPenetrant. Review status: no assertion criteria provided. Collection method: clinical testing. Allele origin: germline. Inheritance: Autosomal dominant inheritance. Not counted in ClinVar's aggregate classification.
Comment: Likely benign based on allele frequency in 1000 Genomes Project or ESP global frequency and its presence in a patient with a rare or unrelated disease phenotype. NOT Sanger confirmed.

Genome Diagnostics Laboratory, University Medical Center Utrecht
Classification: Benign. Review status: no assertion criteria provided. Collection method: clinical testing. Allele origin: germline. Affected: yes. Study: VKGL Data-share Consensus. Not counted in ClinVar's aggregate classification.

Joint Genome Diagnostic Labs from Nijmegen and Maastricht, Radboudumc and MUMC+
Classification: Benign. Review status: no assertion criteria provided. Collection method: clinical testing. Allele origin: germline. Affected: yes. Study: VKGL Data-share Consensus. Not counted in ClinVar's aggregate classification.